The following is an entry in ClinVar:

NM_000384.3(APOB):c.5492A>G (p.Tyr1831Cys)

Gene: APOB (apolipoprotein B; minus strand). Cytogenetic location: 2p24.1.
Variant type: single nucleotide variant.
Coding change: c.5492A>G on transcript NM_000384.3 (MANE Select); coding-DNA position 5492, A replaced by G.
Protein change: p.Tyr1831Cys; replaces tyrosine 1831 with cysteine.
Molecular consequence: missense variant.
Genome position (GRCh38, 1-based): chr2:21,011,376, T>C on the plus strand (A>G on the coding strand, the complement: APOB is on the minus strand). VCF-style: chr2-21011376-T-C. GRCh37 (hg19) VCF-style: chr2-21234248-T-C.
Other names: short protein forms Y1831C.
Identifiers: ClinVar variation 1747863 (VCV001747863.2), dbSNP rs766605254, ClinGen allele CA346004612.
Genomic context (GRCh38, chr2:21,011,376, plus strand): 5'-TAGCTTGCTGATAAGGCAGCAGAAGAGATGGCATAGATGTGTTTTATTTCATTATTTTGG[T>C]AGGCTCCTTTTAGGTTACCAGCCACATGCAGCTTCAGGGGTTCTAGCCGTAGTTTCCCAT-3'
Protein context (NP_000375.3, residues 1821-1841): LHVAGNLKGA[Tyr1831Cys]QNNEIKHIYA

ClinVar aggregate classification (germline): Uncertain significance (1 of 4 stars; one submission).

Conditions:
Cardiovascular phenotype. Identifiers: MedGen CN230736.

Submission:

Ambry Genetics
Classification: Uncertain significance for Cardiovascular phenotype. Last evaluated: 2022-02-11. Review status: criteria provided, single submitter. Criteria: Ambry Variant Classification Scheme 2023. Collection method: clinical testing. Allele origin: germline.
Comment: The p.Y1831C variant (also known as c.5492A>G), located in coding exon 26 of the APOB gene, results from an A to G substitution at nucleotide position 5492. The tyrosine at codon 1831 is replaced by cysteine, an amino acid with highly dissimilar properties. This amino acid position is conserved. In addition, this alteration is predicted to be tolerated by in silico analysis. Since supporting evidence is limited at this time, the clinical significance of this alteration remains unclear.